The following is an entry in ClinVar:

NM_014874.4(MFN2):c.2249A>G (p.His750Arg)

Gene: MFN2 (mitofusin 2; plus strand). Cytogenetic location: 1p36.22.
Variant type: single nucleotide variant.
Coding change: c.2249A>G on transcript NM_014874.4 (MANE Select); coding-DNA position 2249, A replaced by G.
Protein change: p.His750Arg; replaces histidine 750 with arginine.
Molecular consequence: missense variant.
Genome position (GRCh38, 1-based): chr1:12,011,540, A>G. VCF-style: chr1-12011540-A-G. GRCh37 (hg19) VCF-style: chr1-12071597-A-G.
Other names: c.2249A>G, p.His750Arg (NM_001127660.2); short protein forms H750R.
Identifiers: ClinVar variation 2159600 (VCV002159600.4), dbSNP rs1569890311, ClinGen allele CA338454504.

ClinVar aggregate classification (germline): Uncertain significance. Review status: criteria provided, multiple submitters, no conflicts (2 of 4 stars). 2 submissions from 2 submitters: Uncertain significance (2). Last evaluated 2025-08-04.

Conditions:
Charcot-Marie-Tooth disease type 2. Also called: Charcot-Marie-Tooth type 2. Identifiers: Orphanet 64746, MedGen C0270914, MONDO:0018993.

Allele frequency attached by ClinVar (database versions not stated): gnomAD exomes below 0.00001; TOPMed below 0.00001.
gnomAD v4.1: 3 of 1,614,154 alleles (0.00019%); highest among the groups gnomAD compares: Non-Finnish European, 0.00017%; no homozygotes.

Submissions (2):

GeneDx
Classification: Uncertain significance. Last evaluated: 2025-08-04. Review status: criteria provided, single submitter. Criteria: GeneDx Variant Classification Process June 2021. Collection method: clinical testing. Allele origin: germline. Affected: yes.
Comment: Not observed at significant frequency in large population cohorts (gnomAD); In silico analysis suggests that this missense variant does not alter protein structure/function; Has not been previously published as pathogenic or benign to our knowledge

Labcorp Genetics (formerly Invitae), Labcorp
Classification: Uncertain significance for Charcot-Marie-Tooth disease type 2. Last evaluated: 2022-02-04. Review status: criteria provided, single submitter. Criteria: Invitae Variant Classification Sherloc (09022015). Collection method: clinical testing. Allele origin: germline.
Comment: In summary, the available evidence is currently insufficient to determine the role of this variant in disease. Therefore, it has been classified as a Variant of Uncertain Significance. Advanced modeling of protein sequence and biophysical properties (such as structural, functional, and spatial information, amino acid conservation, physicochemical variation, residue mobility, and thermodynamic stability) performed at Invitae indicates that this missense variant is not expected to disrupt MFN2 protein function. This variant has not been reported in the literature in individuals affected with MFN2-related conditions. This variant is not present in population databases (gnomAD no frequency). This sequence change replaces histidine, which is basic and polar, with arginine, which is basic and polar, at codon 750 of the MFN2 protein (p.His750Arg).